The following is an entry in ClinVar:

NM_001958.5(EEF1A2):c.271G>A (p.Asp91Asn)

Gene: EEF1A2 (eukaryotic translation elongation factor 1 alpha 2; minus strand). Cytogenetic location: 20q13.33.
Variant type: single nucleotide variant.
Coding change: c.271G>A on transcript NM_001958.5 (MANE Select); coding-DNA position 271, G replaced by A.
Protein change: p.Asp91Asn; replaces aspartic acid 91 with asparagine.
Molecular consequence: missense variant.
Genome position (GRCh38, 1-based): chr20:63,495,909, C>T on the plus strand (G>A on the coding strand, the complement: EEF1A2 is on the minus strand). VCF-style: chr20-63495909-C-T. GRCh37 (hg19) VCF-style: chr20-62127262-C-T.
Other names: short protein forms D91N.
Identifiers: ClinVar variation 279803 (VCV000279803.45), dbSNP rs886041197, ClinGen allele CA10603498.

ClinVar aggregate classification (germline): Pathogenic. Review status: criteria provided, multiple submitters, no conflicts (2 of 4 stars). 11 submissions from 11 submitters: Pathogenic (6). 5 of the submissions do not count toward it. Last evaluated 2024-09-21.

Conditions:
Developmental and epileptic encephalopathy, 33 (DEE33). Also called: Epileptic encephalopathy, early infantile, 33. Identifiers: Orphanet 442835, MedGen C4225337, MONDO:0014625, OMIM 616409.
EEF1A2-related developmental and degenerative epileptic-dyskinetic encephalopathy.
Intellectual developmental disorder, autosomal dominant 38. Also called: PSYCHOMOTOR RETARDATION, EPILEPSY, AND LANGUAGE DISABILITY SYNDROME; Intellectual disability, autosomal dominant 38. Identifiers: MedGen C4225343, MONDO:0014617, OMIM 616393.

Submissions (11):

Labcorp Genetics (formerly Invitae), Labcorp
Classification: Pathogenic for Developmental and epileptic encephalopathy, 33. Last evaluated: 2024-09-21. Review status: criteria provided, single submitter. Criteria: Invitae Variant Classification Sherloc (09022015). Collection method: clinical testing. Allele origin: germline.
Comment: This sequence change replaces aspartic acid, which is acidic and polar, with asparagine, which is neutral and polar, at codon 91 of the EEF1A2 protein (p.Asp91Asn). This variant is not present in population databases (gnomAD no frequency). This missense change has been observed in individual(s) with clinical features of epileptic encephalopathy and/or developmental delay (PMID: 27441201, 28135719, 32196822). In at least one individual the variant was observed to be de novo. ClinVar contains an entry for this variant (Variation ID: 279803). Invitae Evidence Modeling of protein sequence and biophysical properties (such as structural, functional, and spatial information, amino acid conservation, physicochemical variation, residue mobility, and thermodynamic stability) has been performed for this missense variant. However, the output from this modeling did not meet the statistical confidence thresholds required to predict the impact of this variant on EEF1A2 protein function. For these reasons, this variant has been classified as Pathogenic.

Victorian Clinical Genetics Services, Murdoch Childrens Research Institute
Classification: Pathogenic for Intellectual developmental disorder, autosomal dominant 38. Last evaluated: 2023-07-17. Review status: criteria provided, single submitter. Criteria: ACMG Guidelines, 2015. Collection method: clinical testing. Allele origin: germline. Inheritance: Autosomal dominant inheritance. Affected: yes.
Comment: Based on the classification scheme VCGS_Germline_v1.3.4, this variant is classified as Pathogenic. Following criteria are met: 0105 - The mechanism of disease for this gene is not clearly established. However, gain-of-function has been suggested (PMID: 32160274). (I) 0107 - This gene is associated with autosomal dominant disease. (I) 0200 - Variant is predicted to result in a missense amino acid change from aspartic acid to asparagine. (I) 0251 - This variant is heterozygous. (I) 0301 - Variant is absent from gnomAD (both v2 and v3). (SP) 0501 - Missense variant consistently predicted to be damaging by multiple in silico tools or highly conserved with a major amino acid change. (SP) 0603 - Missense variant in a region that is highly intolerant to missense variation (high constraint region in DECIPHER). (SP) 0801 - This variant has strong previous evidence of pathogenicity in unrelated individuals. This variant has been classified as pathogenic and likely pathogenic by clinical laboratories in ClinVar and reported as de novo in individuals with development delay, intellectual disability, or a Rett-like phenotype (PMIDs: 33644862, 31893083). (SP) Legend: (SP) - Supporting pathogenic, (I) - Information, (SB) - Supporting benign

GeneDx
Classification: Pathogenic. Last evaluated: 2022-04-20. Review status: criteria provided, single submitter. Criteria: GeneDx Variant Classification Process June 2021. Collection method: clinical testing. Allele origin: germline. Affected: yes.
Comment: Not observed at significant frequency in large population cohorts (gnomAD); In silico analysis supports that this missense variant has a deleterious effect on protein structure/function; This variant is associated with the following publications: (PMID: 28135719, 28191890, 31278258, 31893083, 32196822, 31785789, 27441201, 33644862)

Epilepsy Neurogenetics Initiative, Children's Hospital of Philadelphia
Classification: Pathogenic for EEF1A2-related developmental and degenerative epileptic-dyskinetic encephalopathy. Last evaluated: 2020-02-13. Review status: criteria provided, single submitter. Criteria: ACMG Guidelines, 2015. Collection method: research. Allele origin: de novo. Inheritance: Autosomal dominant inheritance. Affected: yes.
Comment: The EEF1A2 c.271G>A; Neuroimaging was normal. Therefore, this variant has been classified as pathogenic.

Baylor Genetics
Classification: Pathogenic for Intellectual developmental disorder, autosomal dominant 38. Last evaluated: 2018-10-31. Review status: criteria provided, single submitter. Criteria: ACMG Guidelines, 2015. Collection method: clinical testing. Allele origin: de novo. Affected: yes.
Comment: This variant was determined to be pathogenic according to ACMG Guidelines, 2015 [PMID:25741868]. This variant has been previously reported in patients with developmental disorders, epilepsy, and intellectual disability [PMID 27441201, 28135719]

Equipe Genetique des Anomalies du Developpement, Université de Bourgogne
Classification: Pathogenic for Developmental and epileptic encephalopathy, 33. Review status: criteria provided, single submitter. Criteria: ACMG Guidelines, 2015. Collection method: clinical testing. Allele origin: somatic. Inheritance: Autosomal dominant inheritance. Affected: yes.

Solve-RD Consortium
Classification: Likely pathogenic for Intellectual developmental disorder, autosomal dominant 38. Last evaluated: 2022-06-01. Review status: no assertion criteria provided. Collection method: provider interpretation. Allele origin: inherited. Affected: yes. Not counted in ClinVar's aggregate classification.
Comment: Variant confirmed as disease-causing by referring clinical team

Variant identified during reanalysis of unsolved cases by the Solve-RD project. The Solve-RD project has received funding from the European Union’s Horizon 2020 research and innovation programme under grant agreement No 779257.

Department of Genetics, Robert DEBRE University Hospital
Classification: Pathogenic. Last evaluated: 2019-01-21. Review status: no assertion criteria provided. Collection method: clinical testing. Allele origin: de novo. Affected: yes. Not counted in ClinVar's aggregate classification.

Developmental and Behavioral Pediatrics, First Affiliated Hospital of Jilin University
Classification: Pathogenic for Intellectual developmental disorder, autosomal dominant 38. Review status: no assertion criteria provided. Collection method: clinical testing. Allele origin: de novo. Not counted in ClinVar's aggregate classification.

Genome Diagnostics Laboratory, Amsterdam University Medical Center
Classification: Likely pathogenic. Review status: no assertion criteria provided. Collection method: clinical testing. Allele origin: germline. Affected: yes. Study: VKGL Data-share Consensus. Not counted in ClinVar's aggregate classification.

Joint Genome Diagnostic Labs from Nijmegen and Maastricht, Radboudumc and MUMC+
Classification: Pathogenic. Review status: no assertion criteria provided. Collection method: clinical testing. Allele origin: germline. Affected: yes. Study: VKGL Data-share Consensus. Not counted in ClinVar's aggregate classification.

Literature cited by the submitters: PubMed 27441201 (cited by Labcorp Genetics (formerly Invitae), Labcorp and Baylor Genetics); PubMed 28135719 (cited by Labcorp Genetics (formerly Invitae), Labcorp and Baylor Genetics); PubMed 32196822 (cited by Labcorp Genetics (formerly Invitae), Labcorp); PubMed 31893083 (cited by Victorian Clinical Genetics Services, Murdoch Childrens Research Institute); PubMed 32160274 (cited by Victorian Clinical Genetics Services, Murdoch Childrens Research Institute); PubMed 33644862 (cited by Victorian Clinical Genetics Services, Murdoch Childrens Research Institute); PubMed 39825153 (cited by Solve-RD Consortium).